The following is an entry in ClinVar:

ClinVar aggregate classification (germline): Likely pathogenic (1 of 4 stars; one submission).

Conditions:
Congenital myotonia, autosomal dominant form (THD). Also called: THOMSEN DISEASE; Myotonia congenita autosomal dominant. Identifiers: Orphanet 614, MedGen C2936781, MONDO:0008055, OMIM 160800.
Congenital myotonia, autosomal recessive form. Also called: Becker Generalized Myotonia; myotonia congenita, autosomal recessive; BECKER DISEASE. Identifiers: Orphanet 614, MedGen C0751360, MONDO:0009715, OMIM 255700.

Submission:

Labcorp Genetics (formerly Invitae), Labcorp
Classification: Likely pathogenic for Congenital myotonia, autosomal recessive form; Congenital myotonia, autosomal dominant form. Last evaluated: 2024-02-09. Review status: criteria provided, single submitter. Criteria: Invitae Variant Classification Sherloc (09022015). Collection method: clinical testing. Allele origin: germline.
Comment: This sequence change replaces glutamic acid, which is acidic and polar, with glutamine, which is neutral and polar, at codon 291 of the CLCN1 protein (p.Glu291Gln). This variant is not present in population databases (gnomAD no frequency). This missense change has been observed in individual(s) with autosomal recessive Becker disease (PMID: 24349310). Advanced modeling of protein sequence and biophysical properties (such as structural, functional, and spatial information, amino acid conservation, physicochemical variation, residue mobility, and thermodynamic stability) performed at Invitae indicates that this missense variant is expected to disrupt CLCN1 protein function with a positive predictive value of 95%. This variant disrupts the p.Glu291 amino acid residue in CLCN1. Other variant(s) that disrupt this residue have been determined to be pathogenic (PMID: 8845168, 23739125, 27415035). This suggests that this residue is clinically significant, and that variants that disrupt this residue are likely to be disease-causing. In summary, the currently available evidence indicates that the variant is pathogenic, but additional data are needed to prove that conclusively. Therefore, this variant has been classified as Likely Pathogenic.

Literature cited by the submitters: PubMed 24349310; PubMed 8845168; PubMed 23739125; PubMed 27415035.

NM_000083.3(CLCN1):c.871G>C (p.Glu291Gln)

Gene: CLCN1 (chloride voltage-gated channel 1; plus strand). Cytogenetic location: 7q34.
Variant type: single nucleotide variant.
Coding change: c.871G>C on transcript NM_000083.3 (MANE Select); coding-DNA position 871, G replaced by C.
Protein change: p.Glu291Gln; replaces glutamic acid 291 with glutamine.
Molecular consequence: missense variant. On other transcripts: non-coding transcript variant (1).
Genome position (GRCh38, 1-based): chr7:143,330,789, G>C. VCF-style: chr7-143330789-G-C. GRCh37 (hg19) VCF-style: chr7-143027882-G-C.
Other names: short protein forms E291Q.
Identifiers: ClinVar variation 3759127 (VCV003759127.2).